The following is an entry in ClinVar:

ClinVar aggregate classification (germline): Uncertain significance (1 of 4 stars; one submission).

Allele frequency attached by ClinVar (database versions not stated): TOPMed below 0.00001; gnomAD exomes 0.00002 and 0.00003; ExAC 0.00003.
gnomAD v4.1: 28 of 1,610,698 alleles (0.0017%); highest among the groups gnomAD compares: Non-Finnish European, 0.0021%; no homozygotes.

Submission:

Labcorp Genetics (formerly Invitae), Labcorp
Classification: Uncertain significance. Last evaluated: 2024-03-16. Review status: criteria provided, single submitter. Criteria: Invitae Variant Classification Sherloc (09022015). Collection method: clinical testing. Allele origin: germline.
Comment: This sequence change replaces isoleucine, which is neutral and non-polar, with threonine, which is neutral and polar, at codon 293 of the DSG1 protein (p.Ile293Thr). This variant is present in population databases (rs753545622, gnomAD 0.01%). This variant has not been reported in the literature in individuals affected with DSG1-related conditions. ClinVar contains an entry for this variant (Variation ID: 1500270). Advanced modeling of protein sequence and biophysical properties (such as structural, functional, and spatial information, amino acid conservation, physicochemical variation, residue mobility, and thermodynamic stability) performed at Invitae indicates that this missense variant is not expected to disrupt DSG1 protein function with a negative predictive value of 80%. In summary, the available evidence is currently insufficient to determine the role of this variant in disease. Therefore, it has been classified as a Variant of Uncertain Significance.

NM_001942.4(DSG1):c.878T>C (p.Ile293Thr)

Gene: DSG1 (desmoglein 1; plus strand). Cytogenetic location: 18q12.1.
Variant type: single nucleotide variant.
Coding change: c.878T>C on transcript NM_001942.4 (MANE Select); coding-DNA position 878, T replaced by C.
Protein change: p.Ile293Thr; replaces isoleucine 293 with threonine.
Molecular consequence: missense variant.
Genome position (GRCh38, 1-based): chr18:31,334,075, T>C. VCF-style: chr18-31334075-T-C. GRCh37 (hg19) VCF-style: chr18-28914038-T-C.
Other names: short protein forms I293T.
Identifiers: ClinVar variation 1500270 (VCV001500270.6), dbSNP rs753545622, ClinGen allele CA8925966.